The following is an entry in ClinVar:

ClinVar aggregate classification (germline): Benign. Review status: criteria provided, multiple submitters, no conflicts (2 of 4 stars). 3 submissions from 2 submitters: Benign (3). Last evaluated 2018-01-13.

Conditions:
Platelet-type bleeding disorder 9 (BDPLT9). Also called: GLYCOPROTEIN Ia DEFICIENCY; GP Ia DEFICIENCY; COLLAGEN PLATELET RECEPTOR DEFICIENCY. Identifiers: Orphanet 73271, Orphanet 98886, MedGen C3280114, MONDO:0013622, OMIM 614200.
Sulfite oxidase deficiency due to molybdenum cofactor deficiency type B1 (MOCODB1). Also called: MOLYBDENUM COFACTOR DEFICIENCY, TYPE B1; Molybdenum cofactor deficiency, complementation group B; Sulfite oxidase deficiency due to molybdenum cofactor deficiency type B; Molybdenum cofactor deficiency B. Identifiers: Orphanet 308393, Orphanet 833, MedGen C6065887, MONDO:0009644, OMIM 252160.

Allele frequency attached by ClinVar (database versions not stated): gnomAD 0.20066 and 0.20236; 1000 Genomes Project 30x 0.17224; 1000 Genomes Project 0.17272; TOPMed 0.19093.

Submissions (3):

Illumina Laboratory Services, Illumina
Classification: Benign for Sulfite oxidase deficiency due to molybdenum cofactor deficiency type B1. Last evaluated: 2018-01-13. Review status: criteria provided, single submitter. Criteria: ICSL Variant Classification Criteria 13 December 2019. Collection method: clinical testing. Allele origin: germline.
Comment: This variant was observed in the ICSL laboratory as part of a predisposition screen in an ostensibly healthy population. It had not been previously curated by ICSL or reported in the Human Gene Mutation Database (HGMD: prior to June 1st, 2018), and was therefore a candidate for classification through an automated scoring system. Utilizing variant allele frequency, disease prevalence and penetrance estimates, and inheritance mode, an automated score was calculated to assess if this variant is too frequent to cause the disease. Based on the score and internal cut-off values, a variant classified as benign is not then subjected to further curation. The score for this variant resulted in a classification of benign for this disease.

Illumina Laboratory Services, Illumina
Classification: Benign for Platelet-type bleeding disorder 9. Last evaluated: 2018-01-12. Review status: criteria provided, single submitter. Criteria: ICSL Variant Classification Criteria 13 December 2019. Collection method: clinical testing. Allele origin: germline.
Comment: the same text as in the submission from Illumina Laboratory Services, Illumina above.

Breakthrough Genomics
Classification: Benign. Review status: criteria provided, single submitter. Criteria: ACMG Guidelines, 2015. Collection method: not provided. Allele origin: germline. Inheritance: Autosomal recessive inheritance. Affected: yes.

NM_004531.5(MOCS2):c.*2158C>T

Genes: ITGA2 (integrin subunit alpha 2; plus strand), MOCS2 (molybdenum cofactor synthesis 2; minus strand). Cytogenetic location: 5q11.2.
Variant type: single nucleotide variant.
Coding change: c.*2158C>T on transcript NM_004531.5 (MANE Select); 2158 bases downstream of the stop codon, C replaced by T.
Molecular consequence: 3 prime UTR variant.
Genome position (GRCh38, 1-based): chr5:53,096,444, G>A on the plus strand (C>T on the coding strand, the complement: MOCS2 is on the minus strand). VCF-style: chr5-53096444-G-A. GRCh37 (hg19) VCF-style: chr5-52392274-G-A.
Other names: c.*2645C>T (NM_176806.4).
Identifiers: ClinVar variation 903789 (VCV000903789.7), dbSNP rs17298242, ClinGen allele CA15373242.